The following is an entry in ClinVar:

ClinVar aggregate classification (germline): Likely benign. Review status: criteria provided, multiple submitters, no conflicts (2 of 4 stars). 2 submissions from 2 submitters: Likely benign (2). Last evaluated 2026-01-21.

Conditions:
ALPL-related disorder. Also called: ALPL-related disorders; ALPL-related condition.

gnomAD v4.1: 52 of 1,598,492 alleles (0.0033%); highest among the groups gnomAD compares: African/African-American, 0.021%; no homozygotes.

Submissions (2):

Labcorp Genetics (formerly Invitae), Labcorp
Classification: Likely benign. Last evaluated: 2026-01-21. Review status: criteria provided, single submitter. Criteria: Invitae Variant Classification Sherloc (09022015). Collection method: clinical testing. Allele origin: germline.

PreventionGenetics, part of Exact Sciences
Classification: Likely benign for ALPL-related condition. Last evaluated: 2025-10-05. Review status: criteria provided, single submitter. Criteria: ACMG Guidelines, 2015. Collection method: clinical testing. Allele origin: germline.
Comment: This variant is classified as likely benign based on ACMG/AMP sequence variant interpretation guidelines (Richards et al. 2015 PMID: 25741868, with internal and published modifications).

NM_000478.6(ALPL):c.1557C>G (p.Pro519=)

Gene: ALPL (alkaline phosphatase, biomineralization associated; plus strand). Cytogenetic location: 1p36.12.
Variant type: single nucleotide variant.
Coding change: c.1557C>G on transcript NM_000478.6 (MANE Select); coding-DNA position 1557, C replaced by G.
Protein change: p.Pro519=; no amino-acid change (proline 519 retained).
Molecular consequence: synonymous variant.
Genome position (GRCh38, 1-based): chr1:21,577,630, C>G. VCF-style: chr1-21577630-C-G. GRCh37 (hg19) VCF-style: chr1-21904123-C-G.
Other names: c.1557C>G (NM_000478.5); c.1392C>G, p.Pro464= (NM_001127501.4); c.1326C>G, p.Pro442= (NM_001177520.3); c.1557C>G, p.Pro519= (NM_001369803.2, NM_001369804.2, NM_001369805.2).
Identifiers: ClinVar variation 1116897 (VCV001116897.10), dbSNP rs376020180, ClinGen allele CA666885.
Genomic context (GRCh38, chr1:21,577,630, plus strand): 5'-TGCCAGCTCGGCAGGCAGCCTTGCTGCAGGCCCCCTGCTGCTCGCGCTGGCCCTCTACCC[C>G]CTGAGCGTCCTGTTCTGAGGGCCCAGGGCCCGGGCACCCACAAGCCCGTGACAGATGCCA-3'
Protein context (NP_000469.3, residues 509-524): GPLLLALALY[Pro519=]LSVLF